The following is an entry in ClinVar:

ClinVar aggregate classification (germline): Uncertain significance. Review status: criteria provided, multiple submitters, no conflicts (2 of 4 stars). 5 submissions from 5 submitters: Uncertain significance (5). Last evaluated 2025-11-18.

Conditions:
Cardiovascular phenotype. Identifiers: MedGen CN230736.
Familial isolated arrhythmogenic right ventricular dysplasia. Identifiers: Orphanet 217656, MedGen C4274968, MONDO:0016342.
Cardiomyopathy (CMYO). Also called: Cardiomyopathies. Identifiers: Orphanet 167848, MedGen C0878544, MONDO:0004994, HP:0001638. Inheritance: Various modes of inheritance.
Arrhythmogenic right ventricular dysplasia 11. Also called: Arrhythmogenic Right Ventricular Dysplasia/Cardiomyopathy11; ARRHYTHMOGENIC RIGHT VENTRICULAR DYSPLASIA, FAMILIAL, 11; Arrhythmogenic right ventricular dysplasia 11 with mild palmoplantar keratoderma and woolly hair. Identifiers: MedGen C1864850, MONDO:0012506, OMIM 610476.

Allele frequency attached by ClinVar (database versions not stated): TOPMed 0.00001.

Submissions (5):

Labcorp Genetics (formerly Invitae), Labcorp
Classification: Uncertain significance for Arrhythmogenic right ventricular dysplasia 11. Last evaluated: 2025-11-18. Review status: criteria provided, single submitter. Criteria: Invitae Variant Classification Sherloc (09022015). Collection method: clinical testing. Allele origin: germline.
Comment: This sequence change replaces arginine, which is basic and polar, with serine, which is neutral and polar, at codon 680 of the DSC2 protein (p.Arg680Ser). This variant is present in population databases (rs757253682, gnomAD 0.002%). This variant has not been reported in the literature in individuals affected with DSC2-related conditions. ClinVar contains an entry for this variant (Variation ID: 418603). Invitae Evidence Modeling of protein sequence and biophysical properties (such as structural, functional, and spatial information, amino acid conservation, physicochemical variation, residue mobility, and thermodynamic stability) indicates that this missense variant is not expected to disrupt DSC2 protein function with a negative predictive value of 80%. Algorithms developed to predict the effect of sequence changes on RNA splicing suggest that this variant may disrupt the consensus splice site. In summary, the available evidence is currently insufficient to determine the role of this variant in disease. Therefore, it has been classified as a Variant of Uncertain Significance.

GeneDx
Classification: Uncertain significance. Last evaluated: 2025-02-05. Review status: criteria provided, single submitter. Criteria: GeneDx Variant Classification Process June 2021. Collection method: clinical testing. Allele origin: germline. Affected: yes.
Comment: In silico analysis indicates that this missense variant does not alter protein structure/function; Not observed at significant frequency in large population cohorts (gnomAD); Has not been previously published as pathogenic or benign to our knowledge

Color Diagnostics, LLC DBA Color Health
Classification: Uncertain significance for Cardiomyopathy. Last evaluated: 2024-05-23. Review status: criteria provided, single submitter. Criteria: ACMG Guidelines, 2015. Collection method: clinical testing. Allele origin: germline.
Comment: This missense variant replaces arginine with serine at codon 680 of the DSC2 protein. Computational prediction suggests that this variant may not impact protein structure and function. To our knowledge, functional studies have not been reported for this variant. This variant has not been reported in individuals affected with DSC2-related disorders in the literature. This variant has been identified in 2/250910 chromosomes in the general population by the Genome Aggregation Database (gnomAD). The available evidence is insufficient to determine the role of this variant in disease conclusively. Therefore, this variant is classified as a Variant of Uncertain Significance.

All of Us Research Program, National Institutes of Health
Classification: Uncertain significance for Familial isolated arrhythmogenic right ventricular dysplasia. Last evaluated: 2023-08-14. Review status: criteria provided, single submitter. Criteria: ACMG Guidelines, 2015. Collection method: clinical testing. Allele origin: germline. Inheritance: Autosomal dominant inheritance. Observed: 1 variant allele, 1 heterozygote.
Comment: This missense variant replaces arginine with serine at codon 680 of the DSC2 protein. Computational prediction tools and conservation analyses are inconclusive regarding the impact of this variant on the protein function. Computational splicing tools suggest that this variant may not impact RNA splicing. To our knowledge, functional assays have not been performed for this variant nor has this variant been reported in individuals affected with cardiovascular disorders in the literature. This variant has been identified in 2/250910 chromosomes in the general population by the Genome Aggregation Database (gnomAD). Available evidence is insufficient to determine the role of this variant in disease conclusively. Therefore, this variant is classified as a Variant of Uncertain Significance.

This study involves interpretation of variants in research participants for the purpose of population health screening. Participant phenotype was not available at the time of variant classification. Additional details can be found in publication PMID: 35346344, PMCID: PMC8962531

Ambry Genetics
Classification: Uncertain significance for Cardiovascular phenotype. Last evaluated: 2023-04-17. Review status: criteria provided, single submitter. Criteria: Ambry Variant Classification Scheme 2023. Collection method: clinical testing. Allele origin: germline.
Comment: The p.R680S variant (also known as c.2038C>A), located in coding exon 13 of the DSC2 gene, results from a C to A substitution at nucleotide position 2038. The arginine at codon 680 is replaced by serine, an amino acid with dissimilar properties. This amino acid position is conserved. In addition, this alteration is predicted to be tolerated by in silico analysis. Since supporting evidence is limited at this time, the clinical significance of this alteration remains unclear.

NM_024422.6(DSC2):c.2038C>A (p.Arg680Ser)

Gene: DSC2 (desmocollin 2; minus strand). Cytogenetic location: 18q12.1.
Variant type: single nucleotide variant.
Coding change: c.2038C>A on transcript NM_024422.6 (MANE Select); coding-DNA position 2038, C replaced by A.
Protein change: p.Arg680Ser; replaces arginine 680 with serine.
Molecular consequence: missense variant.
Genome position (GRCh38, 1-based): chr18:31,071,692, G>T on the plus strand (C>A on the coding strand, the complement: DSC2 is on the minus strand). VCF-style: chr18-31071692-G-T. GRCh37 (hg19) VCF-style: chr18-28651658-G-T.
Other names: c.2038C>A, p.Arg680Ser (NM_004949.5); short protein forms R680S.
Identifiers: ClinVar variation 418603 (VCV000418603.18), dbSNP rs757253682, ClinGen allele CA034367.